The following is an entry in ClinVar:

ClinVar aggregate classification (germline): Uncertain significance (1 of 4 stars; one submission).

gnomAD v4.1: 1 of 1,614,128 alleles (0.000062%); highest among the groups gnomAD compares: Non-Finnish European, 0.000085%; no homozygotes.

Submission:

Labcorp Genetics (formerly Invitae), Labcorp
Classification: Uncertain significance. Last evaluated: 2024-06-04. Review status: criteria provided, single submitter. Criteria: Invitae Variant Classification Sherloc (09022015). Collection method: clinical testing. Allele origin: germline.
Comment: This sequence change replaces glycine, which is neutral and non-polar, with arginine, which is basic and polar, at codon 115 of the EMC1 protein (p.Gly115Arg). This variant is present in population databases (no rsID available, gnomAD 0.0009%). This variant has not been reported in the literature in individuals affected with EMC1-related conditions. Advanced modeling of protein sequence and biophysical properties (such as structural, functional, and spatial information, amino acid conservation, physicochemical variation, residue mobility, and thermodynamic stability) performed at Invitae indicates that this missense variant is expected to disrupt EMC1 protein function with a positive predictive value of 80%. In summary, the available evidence is currently insufficient to determine the role of this variant in disease. Therefore, it has been classified as a Variant of Uncertain Significance.

NM_015047.3(EMC1):c.343G>C (p.Gly115Arg)

Gene: EMC1 (ER membrane protein complex subunit 1; minus strand). Cytogenetic location: 1p36.13.
Variant type: single nucleotide variant.
Coding change: c.343G>C on transcript NM_015047.3 (MANE Select); coding-DNA position 343, G replaced by C.
Protein change: p.Gly115Arg; replaces glycine 115 with arginine.
Molecular consequence: missense variant.
Genome position (GRCh38, 1-based): chr1:19,243,651, C>G on the plus strand (G>C on the coding strand, the complement: EMC1 is on the minus strand). VCF-style: chr1-19243651-C-G. GRCh37 (hg19) VCF-style: chr1-19570145-C-G.
Other names: c.343G>C, p.Gly115Arg (NM_001271427.2, NM_001271428.2, NM_001375820.1 and 1 more transcripts); c.277G>C, p.Gly93Arg (NM_001271429.2); short protein forms G115R, G93R.
Identifiers: ClinVar variation 3655483 (VCV003655483.2).